The following is an entry in ClinVar:

ClinVar aggregate classification (germline): Uncertain significance. Review status: criteria provided, multiple submitters, no conflicts (2 of 4 stars). 2 submissions from 2 submitters: Uncertain significance (2). Last evaluated 2024-05-09.

Conditions:
STING-associated vasculopathy with onset in infancy. Also called: Sting-associated vasculopathy, infantile-onset. Identifiers: Orphanet 425120, MedGen C4014722, MONDO:0014405, OMIM 615934.

Allele frequency attached by ClinVar (database versions not stated): TOPMed 0.00001.
gnomAD v4.1: 16 of 1,612,782 alleles (0.00099%); highest among the groups gnomAD compares: Non-Finnish European, 0.0014%; no homozygotes.

Submissions (2):

Mayo Clinic Laboratories, Mayo Clinic
Classification: Uncertain significance. Last evaluated: 2024-05-09. Review status: criteria provided, single submitter. Criteria: ACMG Guidelines, 2015. Collection method: clinical testing. Allele origin: germline. Observed: 1 variant allele.
Comment: BP4

Labcorp Genetics (formerly Invitae), Labcorp
Classification: Uncertain significance for STING-associated vasculopathy with onset in infancy. Last evaluated: 2022-11-14. Review status: criteria provided, single submitter. Criteria: Invitae Variant Classification Sherloc (09022015). Collection method: clinical testing. Allele origin: germline.
Comment: In summary, the available evidence is currently insufficient to determine the role of this variant in disease. Therefore, it has been classified as a Variant of Uncertain Significance. This variant is not present in population databases (gnomAD no frequency). This sequence change replaces threonine, which is neutral and polar, with asparagine, which is neutral and polar, at codon 342 of the TMEM173 protein (p.Thr342Asn). Algorithms developed to predict the effect of missense changes on protein structure and function are either unavailable or do not agree on the potential impact of this missense change (SIFT: "Tolerated"; PolyPhen-2: "Possibly Damaging"; Align-GVGD: "Class C0"). This variant has not been reported in the literature in individuals affected with TMEM173-related conditions.

NM_198282.4(STING1):c.1025C>A (p.Thr342Asn)

Gene: STING1 (stimulator of interferon response cGAMP interactor 1; minus strand). Cytogenetic location: 5q31.2.
Variant type: single nucleotide variant.
Coding change: c.1025C>A on transcript NM_198282.4 (MANE Select); coding-DNA position 1025, C replaced by A.
Protein change: p.Thr342Asn; replaces threonine 342 with asparagine.
Molecular consequence: missense variant.
Genome position (GRCh38, 1-based): chr5:139,476,376, G>T on the plus strand (C>A on the coding strand, the complement: STING1 is on the minus strand). VCF-style: chr5-139476376-G-T. GRCh37 (hg19) VCF-style: chr5-138855961-G-T.
Other names: p.Thr342Asn; c.838C>A, p.Leu280Met (NM_001301738.2); c.668C>A, p.Thr223Asn (NM_001367258.1); short protein forms T223N, L280M, T342N.
Identifiers: ClinVar variation 2063279 (VCV002063279.5), dbSNP rs1423748602, ClinGen allele CA361479204.